The following is an entry in ClinVar:

NM_000183.3(HADHB):c.1150-1G>T

Gene: HADHB (hydroxyacyl-CoA dehydrogenase trifunctional multienzyme complex subunit beta; plus strand). Cytogenetic location: 2p23.3.
Variant type: single nucleotide variant.
Coding change: c.1150-1G>T on transcript NM_000183.3 (MANE Select); the canonical splice acceptor site of the intron before coding-DNA position 1150, G replaced by T.
Molecular consequence: splice acceptor variant.
Genome position (GRCh38, 1-based): chr2:26,284,882, G>T. VCF-style: chr2-26284882-G-T. GRCh37 (hg19) VCF-style: chr2-26507750-G-T.
Other names: c.1084-1G>T (NM_001281513.2); c.1105-1G>T (NM_001281512.2).
Identifiers: ClinVar variation 2203024 (VCV002203024.5), dbSNP rs1672959153, ClinGen allele CA346096014.

ClinVar aggregate classification (germline): Likely pathogenic. Review status: criteria provided, multiple submitters, no conflicts (2 of 4 stars). 2 submissions from 2 submitters: Likely pathogenic (2). Last evaluated 2025-04-14.

Conditions:
Mitochondrial trifunctional protein deficiency. Identifiers: Orphanet 746, MedGen C1969443, MONDO:0012172.

Allele frequency attached by ClinVar (database versions not stated): TOPMed below 0.00001; gnomAD exomes 0.00001.
gnomAD v4.1: 11 of 1,513,432 alleles (0.00073%); highest among the groups gnomAD compares: Non-Finnish European, 0.001%; no homozygotes.

Submissions (2):

Labcorp Genetics (formerly Invitae), Labcorp
Classification: Likely pathogenic for Mitochondrial trifunctional protein deficiency. Last evaluated: 2025-04-14. Review status: criteria provided, single submitter. Criteria: Invitae Variant Classification Sherloc (09022015). Collection method: clinical testing. Allele origin: germline.
Comment: This sequence change affects an acceptor splice site in intron 13 of the HADHB gene. It is expected to disrupt RNA splicing. Variants that disrupt the donor or acceptor splice site typically lead to a loss of protein function (PMID: 16199547), and loss-of-function variants in HADHB are known to be pathogenic (PMID: 9259266, 12754706). This variant is not present in population databases (gnomAD no frequency). Disruption of this splice site has been observed in individual(s) with clinical features of mitochondrial trifunctional protein deficiency (PMID: 28871440). ClinVar contains an entry for this variant (Variation ID: 2203024). Algorithms developed to predict the effect of sequence changes on RNA splicing suggest that this variant may disrupt the consensus splice site. In summary, the currently available evidence indicates that the variant is pathogenic, but additional data are needed to prove that conclusively. Therefore, this variant has been classified as Likely Pathogenic.

Baylor Genetics
Classification: Likely pathogenic for Mitochondrial trifunctional protein deficiency 1. Last evaluated: 2023-10-25. Review status: criteria provided, single submitter. Criteria: ACMG Guidelines, 2015. Collection method: clinical testing. Allele origin: unknown.

Literature cited by the submitters: PubMed 16199547 (cited by Labcorp Genetics (formerly Invitae), Labcorp); PubMed 9259266 (cited by Labcorp Genetics (formerly Invitae), Labcorp); PubMed 12754706 (cited by Labcorp Genetics (formerly Invitae), Labcorp); PubMed 28871440 (cited by Labcorp Genetics (formerly Invitae), Labcorp).